The following is an entry in ClinVar:

NM_006929.5(SKIC2):c.1597G>C (p.Ala533Pro)

Gene: SKIC2 (SKI2 subunit of superkiller complex; plus strand). Cytogenetic location: 6p21.33.
Variant type: single nucleotide variant.
Coding change: c.1597G>C on transcript NM_006929.5 (MANE Select); coding-DNA position 1597, G replaced by C.
Protein change: p.Ala533Pro; replaces alanine 533 with proline.
Molecular consequence: missense variant.
Genome position (GRCh38, 1-based): chr6:31,963,683, G>C. VCF-style: chr6-31963683-G-C. GRCh37 (hg19) VCF-style: chr6-31931460-G-C.
Other names: short protein forms A533P.
Identifiers: ClinVar variation 1448991 (VCV001448991.6), dbSNP rs903311154, ClinGen allele CA136908948.

ClinVar aggregate classification (germline): Uncertain significance (1 of 4 stars; one submission).

gnomAD v4.1: 2 of 1,556,860 alleles (0.00013%); highest among the groups gnomAD compares: Non-Finnish European, 0.00017%; no homozygotes.

Submission:

Labcorp Genetics (formerly Invitae), Labcorp
Classification: Uncertain significance. Last evaluated: 2022-06-27. Review status: criteria provided, single submitter. Criteria: Invitae Variant Classification Sherloc (09022015). Collection method: clinical testing. Allele origin: germline.
Comment: In summary, the available evidence is currently insufficient to determine the role of this variant in disease. Therefore, it has been classified as a Variant of Uncertain Significance. Algorithms developed to predict the effect of missense changes on protein structure and function (SIFT, PolyPhen-2, Align-GVGD) all suggest that this variant is likely to be tolerated. This variant has not been reported in the literature in individuals affected with SKIV2L-related conditions. This variant is not present in population databases (gnomAD no frequency). This sequence change replaces alanine, which is neutral and non-polar, with proline, which is neutral and non-polar, at codon 533 of the SKIV2L protein (p.Ala533Pro).